The following is an entry in ClinVar:

NM_005045.4(RELN):c.4510A>T (p.Arg1504Ter)

Gene: RELN (reelin; minus strand). Cytogenetic location: 7q22.1.
Variant type: single nucleotide variant.
Coding change: c.4510A>T on transcript NM_005045.4 (MANE Select); coding-DNA position 4510, A replaced by T.
Protein change: p.Arg1504Ter; replaces arginine 1504 with a stop codon.
Molecular consequence: nonsense.
Genome position (GRCh38, 1-based): chr7:103,574,093, T>A on the plus strand (A>T on the coding strand, the complement: RELN is on the minus strand). VCF-style: chr7-103574093-T-A. GRCh37 (hg19) VCF-style: chr7-103214540-T-A.
Other names: c.4510A>T, p.Arg1504Ter (NM_173054.3); short protein forms R1504*.
Identifiers: ClinVar variation 1371832 (VCV001371832.6), dbSNP rs2117204949, ClinGen allele CA368750198.

ClinVar aggregate classification (germline): Pathogenic (1 of 4 stars; one submission).

Conditions:
Norman-Roberts syndrome (LIS2). Also called: Lissencephaly 2 (Norman-Roberts type). Identifiers: Orphanet 89844, MedGen C0796089, MONDO:0009760, OMIM 257320.
Familial temporal lobe epilepsy 7. Identifiers: Orphanet 101046, MedGen C4225327, MONDO:0014639, OMIM 616436.

Submission:

Labcorp Genetics (formerly Invitae), Labcorp
Classification: Pathogenic for Familial temporal lobe epilepsy 7; Norman-Roberts syndrome. Last evaluated: 2021-09-20. Review status: criteria provided, single submitter. Criteria: Invitae Variant Classification Sherloc (09022015). Collection method: clinical testing. Allele origin: germline.
Comment: For these reasons, this variant has been classified as Pathogenic. Algorithms developed to predict the effect of sequence changes on RNA splicing suggest that this variant may disrupt the consensus splice site. This variant has not been reported in the literature in individuals affected with RELN-related conditions. This variant is not present in population databases (ExAC no frequency). This sequence change creates a premature translational stop signal (p.Arg1504*) in the RELN gene. It is expected to result in an absent or disrupted protein product. Loss-of-function variants in RELN are known to be pathogenic (PMID: 10973257, 26046367, 28454995).

Literature cited by the submitters: PubMed 10973257; PubMed 26046367; PubMed 28454995.